The following is an entry in ClinVar:

ClinVar aggregate classification (germline): Uncertain significance. Review status: criteria provided, multiple submitters, no conflicts (2 of 4 stars). 2 submissions from 2 submitters: Uncertain significance (2). Last evaluated 2022-07-19.

Allele frequency attached by ClinVar (database versions not stated): TOPMed 0.00002; gnomAD exomes 0.00003; gnomAD 0.00006.
gnomAD v4.1: 46 of 1,612,622 alleles (0.0029%); highest among the groups gnomAD compares: Admixed American, 0.032%; 1 homozygote.

Submissions (2):

Labcorp Genetics (formerly Invitae), Labcorp
Classification: Uncertain significance. Last evaluated: 2022-07-19. Review status: criteria provided, single submitter. Criteria: Invitae Variant Classification Sherloc (09022015). Collection method: clinical testing. Allele origin: germline.
Comment: This sequence change affects codon 292 of the PCDH15 mRNA. It is a 'silent' change, meaning that it does not change the encoded amino acid sequence of the PCDH15 protein. This variant also falls at the last nucleotide of exon 8, which is part of the consensus splice site for this exon. This variant is present in population databases (no rsID available, gnomAD 0.003%). This variant has not been reported in the literature in individuals affected with PCDH15-related conditions. Variants that disrupt the consensus splice site are a relatively common cause of aberrant splicing (PMID: 17576681, 9536098). Algorithms developed to predict the effect of sequence changes on RNA splicing suggest that this variant is not likely to affect RNA splicing. In summary, the available evidence is currently insufficient to determine the role of this variant in disease. Therefore, it has been classified as a Variant of Uncertain Significance.

Blueprint Genetics
Classification: Uncertain significance. Last evaluated: 2020-11-13. Review status: criteria provided, single submitter. Criteria: ACMG Guidelines, 2015. Collection method: clinical testing. Allele origin: germline.

Literature cited by the submitters: PubMed 17576681 (cited by Labcorp Genetics (formerly Invitae), Labcorp); PubMed 9536098 (cited by Labcorp Genetics (formerly Invitae), Labcorp).

NM_001384140.1(PCDH15):c.876G>A (p.Pro292=)

Gene: PCDH15 (protocadherin related 15; minus strand). Cytogenetic location: 10q21.1.
Variant type: single nucleotide variant.
Coding change: c.876G>A on transcript NM_001384140.1 (MANE Select); coding-DNA position 876, G replaced by A.
Protein change: p.Pro292=; no amino-acid change (proline 292 retained).
Molecular consequence: synonymous variant.
Genome position (GRCh38, 1-based): chr10:54,317,271, C>T on the plus strand (G>A on the coding strand, the complement: PCDH15 is on the minus strand). VCF-style: chr10-54317271-C-T. GRCh37 (hg19) VCF-style: chr10-56077031-C-T.
Other names: c.891G>A, p.Pro297= (NM_001142763.2, NM_001142769.4, NM_001142771.2); c.876G>A, p.Pro292= (NM_001142764.2, NM_001142765.2, NM_001142766.2 and 7 more transcripts); c.765G>A, p.Pro255= (NM_001142767.2); c.810G>A, p.Pro270= (NM_001142768.2, NM_001142773.2, NM_001354404.2).
Identifiers: ClinVar variation 2146718 (VCV002146718.2), dbSNP rs1051527356, ClinGen allele CA207580933.